The following is an entry in ClinVar:

ClinVar aggregate classification (germline): Pathogenic/Likely pathogenic. Review status: criteria provided, multiple submitters, no conflicts (2 of 4 stars). 2 submissions from 2 submitters: Pathogenic (1); Likely pathogenic (1). Last evaluated 2024-02-10.

Conditions:
NOTCH1-related disorder. Also called: NOTCH1-related condition; NOTCH1-related disorders.

Submissions (3):

GeneDx
Classification: Pathogenic. Last evaluated: 2024-02-10. Review status: criteria provided, single submitter. Criteria: GeneDx Variant Classification Process June 2021. Collection method: clinical testing. Allele origin: germline. Affected: yes.
Comment: Canonical splice site variant predicted to result in an in-frame loss of the adjacent exon in a gene for which loss of function is a known mechanism of disease; Reported in a proband with bicuspid aortic valve and mild stenosis; the variant was also identified in a sibling with tetralogy of Fallot and in the unaffected mother (PMID: 26820064); Not observed at significant frequency in large population cohorts (gnomAD); This variant is associated with the following publications: (PMID: 26820064)

Blueprint Genetics
Classification: Likely pathogenic for NOTCH1-related disorders. Last evaluated: 2020-03-18. Review status: criteria provided, single submitter. Criteria: ACMG Guidelines, 2015. Collection method: clinical testing. Allele origin: germline. Affected: yes. Observed: 1 variant allele.

Dr. Peter K. Rogan Lab, Western University
No classification provided (evidence only). Condition: Gastric cancer. Review status: no classification provided. Collection method: in vitro. Allele origin: not applicable. Functional consequence: retained intron. Not counted in ClinVar's aggregate classification.

NM_017617.5(NOTCH1):c.1904-2A>G

Gene: NOTCH1 (notch receptor 1; minus strand). Cytogenetic location: 9q34.3.
Variant type: single nucleotide variant.
Coding change: c.1904-2A>G on transcript NM_017617.5 (MANE Select); the canonical splice acceptor site of the intron before coding-DNA position 1904, A replaced by G.
Molecular consequence: splice acceptor variant.
Genome position (GRCh38, 1-based): chr9:136,515,402, T>C on the plus strand (A>G on the coding strand, the complement: NOTCH1 is on the minus strand). VCF-style: chr9-136515402-T-C. GRCh37 (hg19) VCF-style: chr9-139409854-T-C.
Other names: NC_000009.11:g.139409854T>C.
Identifiers: ClinVar variation 3340287 (VCV003340287.3).